The following is an entry in ClinVar:

ClinVar aggregate classification (germline): Conflicting classifications of pathogenicity. Review status: criteria provided, conflicting classifications (1 of 4 stars). 4 submissions from 4 submitters: Uncertain significance (3); Likely benign (1). Last evaluated 2024-01-09.

Conditions:
KAT6A-related disorder. Also called: KAT6A-related condition.
Autosomal dominant intellectual disability-craniofacial anomalies-cardiac defects syndrome (ARTHS). Also called: Mental retardation, autosomal dominant 32; KAT6A syndrome; Arboleda-Tham syndrome. Identifiers: Orphanet 457193, MedGen C4225396, MONDO:0014558, OMIM 616268.

gnomAD v4.1: 28 of 1,614,034 alleles (0.0017%); highest among the groups gnomAD compares: South Asian, 0.0033%; no homozygotes.

Submissions (4):

Labcorp Genetics (formerly Invitae), Labcorp
Classification: Uncertain significance. Last evaluated: 2024-01-09. Review status: criteria provided, single submitter. Criteria: Invitae Variant Classification Sherloc (09022015). Collection method: clinical testing. Allele origin: germline.
Comment: This sequence change replaces arginine, which is basic and polar, with cysteine, which is neutral and slightly polar, at codon 972 of the KAT6A protein (p.Arg972Cys). This variant is present in population databases (rs747389157, gnomAD 0.0009%). This variant has not been reported in the literature in individuals affected with KAT6A-related conditions. ClinVar contains an entry for this variant (Variation ID: 2160632). Algorithms developed to predict the effect of missense changes on protein structure and function output the following: SIFT: "Not Available"; PolyPhen-2: "Benign"; Align-GVGD: "Not Available". The cysteine amino acid residue is found in multiple mammalian species, which suggests that this missense change does not adversely affect protein function. In summary, the available evidence is currently insufficient to determine the role of this variant in disease. Therefore, it has been classified as a Variant of Uncertain Significance.

Revvity Omics, Revvity
Classification: Uncertain significance for Autosomal dominant intellectual disability-craniofacial anomalies-cardiac defects syndrome. Last evaluated: 2023-10-11. Review status: criteria provided, single submitter. Criteria: ACMG Guidelines, 2015. Collection method: clinical testing. Allele origin: germline.

PreventionGenetics, part of Exact Sciences
Classification: Uncertain significance for KAT6A-related condition. Last evaluated: 2023-02-27. Review status: criteria provided, single submitter. Criteria: ACMG Guidelines, 2015. Collection method: clinical testing. Allele origin: germline.
Comment: The KAT6A c.2914C>T variant is predicted to result in the amino acid substitution p.Arg972Cys. To our knowledge, this variant has not been reported in the literature or in a large population database, indicating this variant is rare. At this time, the clinical significance of this variant is uncertain due to the absence of conclusive functional and genetic evidence.

CeGaT Center for Human Genetics Tuebingen
Classification: Likely benign. Last evaluated: 2022-09-01. Review status: criteria provided, single submitter. Criteria: CeGaT Center For Human Genetics Tuebingen Variant Classification Criteria Version 2. Collection method: clinical testing. Allele origin: germline. Affected: yes. Observed: 2 variant alleles.
Comment: KAT6A: BP4

NM_006766.5(KAT6A):c.2914C>T (p.Arg972Cys)

Gene: KAT6A (lysine acetyltransferase 6A; minus strand). Cytogenetic location: 8p11.21.
Variant type: single nucleotide variant.
Coding change: c.2914C>T on transcript NM_006766.5 (MANE Select); coding-DNA position 2914, C replaced by T.
Protein change: p.Arg972Cys; replaces arginine 972 with cysteine.
Molecular consequence: missense variant.
Genome position (GRCh38, 1-based): chr8:41,940,967, G>A on the plus strand (C>T on the coding strand, the complement: KAT6A is on the minus strand). VCF-style: chr8-41940967-G-A. GRCh37 (hg19) VCF-style: chr8-41798485-G-A.
Other names: c.2914C>T (NM_006766.4); short protein forms R972C.
Identifiers: ClinVar variation 2160632 (VCV002160632.29), dbSNP rs747389157, ClinGen allele CA4729811.